The following is an entry in ClinVar:

ClinVar aggregate classification (germline): Uncertain significance. Review status: criteria provided, multiple submitters, no conflicts (2 of 4 stars). 2 submissions from 2 submitters: Uncertain significance (2). Last evaluated 2024-08-27.

Conditions:
Ataxia-telangiectasia-like disorder (ATLD). Identifiers: MedGen C1858391, MONDO:0011457.
Hereditary cancer-predisposing syndrome. Also called: Hereditary neoplastic syndrome; Neoplastic Syndromes, Hereditary; Tumor predisposition; Hereditary Cancer Syndrome. Identifiers: Orphanet 140162, MedGen C0027672, MeSH D009386, MONDO:0015356.

Submissions (2):

Ambry Genetics
Classification: Uncertain significance for Hereditary cancer-predisposing syndrome. Last evaluated: 2024-08-27. Review status: criteria provided, single submitter. Criteria: Ambry Variant Classification Scheme 2023. Collection method: clinical testing. Allele origin: germline.
Comment: The p.Q445H variant (also known as c.1335G>T), located in coding exon 12 of the MRE11A gene, results from a G to T substitution at nucleotide position 1335. The glutamine at codon 445 is replaced by histidine, an amino acid with highly similar properties. This amino acid position is highly conserved in available vertebrate species. In addition, the in silico prediction for this alteration is inconclusive. Based on the available evidence, the clinical significance of this variant remains unclear.

Labcorp Genetics (formerly Invitae), Labcorp
Classification: Uncertain significance for Ataxia-telangiectasia-like disorder. Last evaluated: 2021-04-30. Review status: criteria provided, single submitter. Criteria: Invitae Variant Classification Sherloc (09022015). Collection method: clinical testing. Allele origin: germline.
Comment: Algorithms developed to predict the effect of missense changes on protein structure and function are either unavailable or do not agree on the potential impact of this missense change (SIFT: "Deleterious"; PolyPhen-2: "Probably Damaging"; Align-GVGD: "Class C0"). This variant has not been reported in the literature in individuals with MRE11-related conditions. This variant is not present in population databases (ExAC no frequency). This sequence change replaces glutamine with histidine at codon 445 of the MRE11 protein (p.Gln445His). The glutamine residue is highly conserved and there is a small physicochemical difference between glutamine and histidine. In summary, the available evidence is currently insufficient to determine the role of this variant in disease. Therefore, it has been classified as a Variant of Uncertain Significance.

NM_005591.4(MRE11):c.1335G>T (p.Gln445His)

Gene: MRE11 (MRE11 double strand break repair nuclease; minus strand). Cytogenetic location: 11q21.
Variant type: single nucleotide variant.
Coding change: c.1335G>T on transcript NM_005591.4 (MANE Select); coding-DNA position 1335, G replaced by T.
Protein change: p.Gln445His; replaces glutamine 445 with histidine.
Molecular consequence: missense variant.
Genome position (GRCh38, 1-based): chr11:94,459,573, C>A on the plus strand (G>T on the coding strand, the complement: MRE11 is on the minus strand). VCF-style: chr11-94459573-C-A. GRCh37 (hg19) VCF-style: chr11-94192739-C-A.
Other names: c.1335G>T (NM_005591.3); c.1335G>T, p.Gln445His (NM_001330347.2, NM_005590.4); short protein forms Q445H.
Identifiers: ClinVar variation 1681585 (VCV001681585.9), dbSNP rs767986238, ClinGen allele CA382372128.